The following is an entry in ClinVar:

ClinVar aggregate classification (germline): Uncertain significance. Review status: criteria provided, multiple submitters, no conflicts (2 of 4 stars). 2 submissions from 2 submitters: Uncertain significance (2). Last evaluated 2025-12-03.

Conditions:
Inborn genetic diseases. Identifiers: MedGen C0950123, MeSH D030342.

gnomAD v4.1: 8 of 1,613,672 alleles (0.0005%); highest among the groups gnomAD compares: East Asian, 0.018%; no homozygotes.

Submissions (2):

Labcorp Genetics (formerly Invitae), Labcorp
Classification: Uncertain significance. Last evaluated: 2025-12-03. Review status: criteria provided, single submitter. Criteria: Invitae Variant Classification Sherloc (09022015). Collection method: clinical testing. Allele origin: germline.
Comment: This sequence change replaces arginine, which is basic and polar, with serine, which is neutral and polar, at codon 434 of the GRHL2 protein (p.Arg434Ser). This variant is present in population databases (rs751587432, gnomAD 0.04%). This variant has not been reported in the literature in individuals affected with GRHL2-related conditions. ClinVar contains an entry for this variant (Variation ID: 4266819). Invitae Evidence Modeling of protein sequence and biophysical properties (such as structural, functional, and spatial information, amino acid conservation, physicochemical variation, residue mobility, and thermodynamic stability) indicates that this missense variant is expected to disrupt GRHL2 protein function with a positive predictive value of 80%. In summary, the available evidence is currently insufficient to determine the role of this variant in disease. Therefore, it has been classified as a Variant of Uncertain Significance.

Ambry Genetics
Classification: Uncertain significance for Inborn genetic diseases. Last evaluated: 2025-08-23. Review status: criteria provided, single submitter. Criteria: Ambry Variant Classification Scheme 2023. Collection method: clinical testing. Allele origin: germline.

NM_024915.4(GRHL2):c.1302G>T (p.Arg434Ser)

Gene: GRHL2 (grainyhead like transcription factor 2; plus strand). Cytogenetic location: 8q22.3.
Variant type: single nucleotide variant.
Coding change: c.1302G>T on transcript NM_024915.4 (MANE Select); coding-DNA position 1302, G replaced by T.
Protein change: p.Arg434Ser; replaces arginine 434 with serine.
Molecular consequence: missense variant.
Genome position (GRCh38, 1-based): chr8:101,631,681, G>T. VCF-style: chr8-101631681-G-T. GRCh37 (hg19) VCF-style: chr8-102643909-G-T.
Other names: c.1254G>T, p.Arg418Ser (NM_001330593.2, NM_001440448.1); c.1302G>T, p.Arg434Ser (NM_001440447.1); short protein forms R434S, R418S.
Identifiers: ClinVar variation 4266819 (VCV004266819.2).